The following is an entry in ClinVar:

NM_000038.6(APC):c.3525G>C (p.Gln1175His)

Gene: APC (APC regulator of Wnt signaling pathway; plus strand). Cytogenetic location: 5q22.2.
Variant type: single nucleotide variant.
Coding change: c.3525G>C on transcript NM_000038.6 (MANE Select); coding-DNA position 3525, G replaced by C.
Protein change: p.Gln1175His; replaces glutamine 1175 with histidine.
Molecular consequence: missense variant. On other transcripts: non-coding transcript variant (2).
Genome position (GRCh38, 1-based): chr5:112,839,119, G>C. VCF-style: chr5-112839119-G-C. GRCh37 (hg19) VCF-style: chr5-112174816-G-C.
Other names: c.3525G>C, p.Gln1175His (NM_001127510.3, NM_001354895.2, NM_001407450.1); c.3471G>C, p.Gln1157His (NM_001127511.3); c.3579G>C, p.Gln1193His (NM_001354896.2, NM_001407447.1, NM_001407448.1 and 1 more transcripts); c.3555G>C, p.Gln1185His (NM_001354897.2); c.3450G>C, p.Gln1150His (NM_001354898.2); c.3441G>C, p.Gln1147His (NM_001354899.2); c.3402G>C, p.Gln1134His (NM_001354900.2); c.3348G>C, p.Gln1116His (NM_001354901.2, NM_001407453.1); and 11 more; short protein forms Q1015H, Q1046H, Q1049H, Q1074H, Q1084H, Q1092H, Q1116H, Q1134H.
Identifiers: ClinVar variation 3617342 (VCV003617342.2).

ClinVar aggregate classification (germline): Uncertain significance (1 of 4 stars; one submission).

Conditions:
Familial adenomatous polyposis 1 (FAP1). Also called: FAMILIAL ADENOMATOUS POLYPOSIS 1, ATTENUATED; POLYPOSIS, ADENOMATOUS INTESTINAL. Identifiers: MedGen C2713442, MONDO:0021056, OMIM 175100. Disease mechanism: loss of function.

Submission:

Labcorp Genetics (formerly Invitae), Labcorp
Classification: Uncertain significance for Familial adenomatous polyposis 1. Last evaluated: 2024-12-28. Review status: criteria provided, single submitter. Criteria: Invitae Variant Classification Sherloc (09022015). Collection method: clinical testing. Allele origin: germline.
Comment: This sequence change replaces glutamine, which is neutral and polar, with histidine, which is basic and polar, at codon 1175 of the APC protein (p.Gln1175His). This variant is not present in population databases (gnomAD no frequency). This variant has not been reported in the literature in individuals affected with APC-related conditions. Invitae Evidence Modeling of protein sequence and biophysical properties (such as structural, functional, and spatial information, amino acid conservation, physicochemical variation, residue mobility, and thermodynamic stability) indicates that this missense variant is not expected to disrupt APC protein function with a negative predictive value of 95%. In summary, the available evidence is currently insufficient to determine the role of this variant in disease. Therefore, it has been classified as a Variant of Uncertain Significance.